The following is an entry in ClinVar:

NM_000257.4(MYH7):c.4005G>A (p.Ser1335=)

Gene: MYH7 (myosin heavy chain 7; minus strand). Cytogenetic location: 14q11.2.
Variant type: single nucleotide variant.
Coding change: c.4005G>A on transcript NM_000257.4 (MANE Select); coding-DNA position 4005, G replaced by A.
Protein change: p.Ser1335=; no amino-acid change (serine 1335 retained).
Molecular consequence: synonymous variant.
Genome position (GRCh38, 1-based): chr14:23,418,374, C>T on the plus strand (G>A on the coding strand, the complement: MYH7 is on the minus strand). VCF-style: chr14-23418374-C-T. GRCh37 (hg19) VCF-style: chr14-23887583-C-T.
Other names: p.S1335S:TCG>TCA; NM_000257.3(MYH7):c.4005G>A.
Identifiers: ClinVar variation 42988 (VCV000042988.29), dbSNP rs144465613, ClinGen allele CA014353.
Genomic context (GRCh38, chr14:23,418,374, plus strand): 5'-GGCCTTGGCCTCCGTCTCCTCCTCGTACTGCTCCCGCAGCAGGTCGCAGTCATGCCGGGC[C>T]GACTGCAGTGCGTGGGCCAGGGCGTTCTTCGCCTGGGGAGGGGTGGGCACCAGGAGGTGG-3'
Protein context (NP_000248.2, residues 1325-1345): AKNALAHALQ[Ser1335=]ARHDCDLLRE

ClinVar aggregate classification (germline): Benign. Review status: reviewed by expert panel (3 of 4 stars). 13 submissions from 13 submitters: Benign (1). 12 of the submissions do not count toward it. Last evaluated 2025-11-11.

Conditions:
Cardiovascular phenotype. Identifiers: MedGen CN230736.
Hypertrophic cardiomyopathy 1 (CMH1). Also called: Familial hypertrophic cardiomyopathy 1; MYH7-Related Familial Hypertrophic Cardiomyopathy. Identifiers: MedGen C3495498, MONDO:0008647, OMIM 192600.
Myopathy, myosin storage, autosomal recessive (CMYO7B). Also called: CONGENITAL MYOPATHY 7B, MYOSIN STORAGE, AUTOSOMAL RECESSIVE. Identifiers: Orphanet 636970, MedGen C1850709, MONDO:0009708, OMIM 255160.
Myosin storage myopathy (CMYO7A). Also called: MYH7-related late-onset scapuloperoneal muscular dystrophy; Congenital myopathy 7A, myosin storage, autosomal dominant; Scapuloperoneal myopathy, MYH7-related; MYOPATHY WITH LYSIS OF TYPE I MYOFIBRILS; SCAPULOPERONEAL MUSCULAR DYSTROPHY; SCAPULOPERONEAL SYNDROME, MYOPATHIC TYPE. Identifiers: Orphanet 437572, Orphanet 636965, MedGen C1842160, MONDO:0008409, OMIM 608358.
Dilated cardiomyopathy 1S (CMD1S). Identifiers: Orphanet 154, Orphanet 54260, MedGen C1834481, MONDO:0013262, OMIM 613426.
MYH7-related skeletal myopathy. Also called: Laing early-onset distal myopathy; MYOPATHY, DISTAL, EARLY-ONSET, AUTOSOMAL DOMINANT; MYOPATHY, LATE DISTAL HEREDITARY; Myopathy, distal, 1; Laing distal myopathy. Identifiers: Orphanet 59135, MedGen C4552004, MONDO:0008050, OMIM 160500.
Congenital myopathy with fiber type disproportion. Also called: Congenital fiber-type disproportion; Congenital fiber-type disproportion myopathy. Identifiers: Orphanet 2020, MedGen C0546264, MONDO:0009711. Inheritance: all.
Cardiomyopathy (CMYO). Also called: Cardiomyopathies. Identifiers: Orphanet 167848, MedGen C0878544, MONDO:0004994, HP:0001638. Inheritance: Various modes of inheritance.
Hypertrophic cardiomyopathy. Also called: HYPERTROPHIC MYOCARDIOPATHY. Identifiers: Orphanet 217569, MedGen C0007194, MeSH D002312, MONDO:0005045, HP:0001639.

Allele frequency attached by ClinVar (database versions not stated): gnomAD exomes 0.00027; 1000 Genomes Project 0.00060; gnomAD 0.00061 and 0.00064; TOPMed 0.00063; ESP Exome Variant Server 0.00069; 1000 Genomes Project 30x 0.00125; ExAC 0.00158.
gnomAD v4.1: 225 of 1,613,068 alleles (0.014%); highest among the groups gnomAD compares: African/African-American, 0.15%; no homozygotes.

Submissions (13):

ClinGen Cardiomyopathy Variant Curation Expert Panel
Classification: Benign for Hypertrophic cardiomyopathy. Last evaluated: 2025-11-11. Review status: reviewed by expert panel. Criteria: ClinGen CMP ACMG Specifications v1. Collection method: curation. Allele origin: germline. Inheritance: Autosomal dominant inheritance.
Comment: The filtering allele frequency of the c.4005G>A (p.Ser1335=) variant in the MYH7 gene is 0.19% (140/64766) of European chromosomes by the Exome Aggregation Consortium, which is a high enough frequency to be classified as benign based on thresholds defined by the ClinGen Inherited Cardiomyopathy Expert Panel (BA1; PMID:29300372).

Labcorp Genetics (formerly Invitae), Labcorp
Classification: Benign for Hypertrophic cardiomyopathy. Last evaluated: 2026-01-31. Review status: criteria provided, single submitter. Criteria: Invitae Variant Classification Sherloc (09022015). Collection method: clinical testing. Allele origin: germline. Not counted in ClinVar's aggregate classification.

Molecular Diagnostic Laboratory for Inherited Cardiovascular Disease, Montreal Heart Institute
Classification: Likely benign. Last evaluated: 2025-04-09. Review status: criteria provided, single submitter. Criteria: ACMG Guidelines, 2015. Collection method: clinical testing. Allele origin: germline. Affected: no. Not counted in ClinVar's aggregate classification.

Blueprint Genetics
Classification: Likely benign. Last evaluated: 2024-11-27. Review status: criteria provided, single submitter. Criteria: ACMG Guidelines, 2015. Collection method: clinical testing. Allele origin: germline. Not counted in ClinVar's aggregate classification.

All of Us Research Program, National Institutes of Health
Classification: Benign for Cardiomyopathy. Last evaluated: 2024-01-11. Review status: criteria provided, single submitter. Criteria: ACMG Guidelines, 2015. Collection method: clinical testing. Allele origin: germline. Inheritance: Autosomal dominant inheritance. Observed: 56 variant alleles, 56 heterozygotes. Not counted in ClinVar's aggregate classification.
Comment: This study involves interpretation of variants in research participants for the purpose of population health screening. Participant phenotype was not available at the time of variant classification. Additional details can be found in publication PMID: 35346344, PMCID: PMC8962531

Fulgent Genetics
Classification: Benign for MYH7-related skeletal myopathy; Myosin storage myopathy; Hypertrophic cardiomyopathy 1; Myopathy, myosin storage, autosomal recessive; Congenital myopathy 4A, autosomal dominant; Dilated cardiomyopathy 1S. Last evaluated: 2021-08-31. Review status: criteria provided, single submitter. Criteria: ACMG Guidelines, 2015. Collection method: clinical testing. Allele origin: unknown. Not counted in ClinVar's aggregate classification.

Women's Health and Genetics/Laboratory Corporation of America, LabCorp
Classification: Likely benign. Last evaluated: 2021-06-13. Review status: criteria provided, single submitter. Criteria: LabCorp Variant Classification Summary - May 2015. Collection method: clinical testing. Allele origin: germline. Not counted in ClinVar's aggregate classification.

Color Diagnostics, LLC DBA Color Health
Classification: Benign for Cardiomyopathy. Last evaluated: 2018-11-08. Review status: criteria provided, single submitter. Criteria: ACMG Guidelines, 2015. Collection method: clinical testing. Allele origin: germline. Not counted in ClinVar's aggregate classification.

Ambry Genetics
Classification: Likely benign for Cardiovascular phenotype. Last evaluated: 2017-01-05. Review status: criteria provided, single submitter. Criteria: Ambry Variant Classification Scheme 2023. Collection method: clinical testing. Allele origin: germline. Not counted in ClinVar's aggregate classification.

Laboratory for Molecular Medicine, Mass General Brigham Personalized Medicine
Classification: Likely benign. Last evaluated: 2015-08-21. Review status: criteria provided, single submitter. Criteria: LMM Criteria. Collection method: clinical testing. Allele origin: germline. Observed: 3 variant alleles. Not counted in ClinVar's aggregate classification.
Comment: p.Ser1335Ser in exon 30 of MYH7: This variant is not expected to have clinical s ignificance because it does not alter an amino acid residue and is not located w ithin the splice consensus sequence. It has been identified in 0.2% (140/64766) of European chromosomes by the Exome Aggregation Consortium (ExAC; dbSNP rs144465613).

GeneDx
Classification: Benign. Last evaluated: 2015-01-05. Review status: criteria provided, single submitter. Criteria: GeneDx Variant Classification (06012015). Collection method: clinical testing. Allele origin: germline. Affected: yes. Not counted in ClinVar's aggregate classification.
Comment: This variant is considered likely benign or benign based on one or more of the following criteria: it is a conservative change, it occurs at a poorly conserved position in the protein, it is predicted to be benign by multiple in silico algorithms, and/or has population frequency not consistent with disease.

Clinical Genetics, Academic Medical Center
Classification: Benign. Review status: no assertion criteria provided. Collection method: clinical testing. Allele origin: germline. Affected: yes. Study: VKGL Data-share Consensus. Not counted in ClinVar's aggregate classification.

Joint Genome Diagnostic Labs from Nijmegen and Maastricht, Radboudumc and MUMC+
Classification: Benign. Review status: no assertion criteria provided. Collection method: clinical testing. Allele origin: germline. Affected: yes. Study: VKGL Data-share Consensus. Not counted in ClinVar's aggregate classification.

Literature cited by the submitters: PubMed 29300372 (cited by ClinGen Cardiomyopathy Variant Curation Expert Panel); PubMed 24503780 (cited by Ambry Genetics).